The following is an entry in ClinVar:

NM_000179.3(MSH6):c.3238C>A (p.Leu1080Met)

Gene: MSH6 (mutS homolog 6; plus strand). Cytogenetic location: 2p16.3.
Variant type: single nucleotide variant.
Coding change: c.3238C>A on transcript NM_000179.3 (MANE Select); coding-DNA position 3238, C replaced by A.
Protein change: p.Leu1080Met; replaces leucine 1080 with methionine.
Molecular consequence: missense variant.
Genome position (GRCh38, 1-based): chr2:47,803,485, C>A. VCF-style: chr2-47803485-C-A. GRCh37 (hg19) VCF-style: chr2-48030624-C-A.
Other names: c.2848C>A, p.Leu950Met (NM_001281492.2); c.2332C>A, p.Leu778Met (NM_001281493.2, NM_001281494.2); short protein forms L1080M, L778M, L950M.
Identifiers: ClinVar variation 1059024 (VCV001059024.13), dbSNP rs1553331335, ClinGen allele CA346758076.

ClinVar aggregate classification (germline): Uncertain significance. Review status: criteria provided, multiple submitters, no conflicts (2 of 4 stars). 4 submissions from 4 submitters: Uncertain significance (4). Last evaluated 2024-03-06.

Conditions:
Hereditary nonpolyposis colorectal neoplasms. Identifiers: MedGen C0009405, MeSH D003123.
Hereditary cancer-predisposing syndrome. Also called: Neoplastic Syndromes, Hereditary; Hereditary Cancer Syndrome; Hereditary neoplastic syndrome; Tumor predisposition. Identifiers: Orphanet 140162, MedGen C0027672, MeSH D009386, MONDO:0015356.
Endometrial carcinoma. Also called: Endometrial carcinoma, somatic. Identifiers: MedGen C0476089, MONDO:0002447, OMIM 608089, HP:0012114.

gnomAD v4.1: 1 of 1,614,128 alleles (0.000062%); highest among the groups gnomAD compares: Non-Finnish European, 0.000085%; no homozygotes.

Submissions (4):

Color Diagnostics, LLC DBA Color Health
Classification: Uncertain significance for Hereditary cancer-predisposing syndrome. Last evaluated: 2024-03-06. Review status: criteria provided, single submitter. Criteria: ACMG Guidelines, 2015. Collection method: clinical testing. Allele origin: germline.
Comment: This missense variant replaces leucine with methionine at codon 1080 of the MSH6 protein. Computational prediction suggests that this variant may not impact protein structure and function (internally defined REVEL score threshold <= 0.5, PMID: 27666373). To our knowledge, functional studies have not been reported for this variant. This variant has not been reported in individuals affected with hereditary cancer in the literature. This variant has not been identified in the general population by the Genome Aggregation Database (gnomAD). The available evidence is insufficient to determine the role of this variant in disease conclusively. Therefore, this variant is classified as a Variant of Uncertain Significance.

Baylor Genetics
Classification: Uncertain significance for Endometrial carcinoma. Last evaluated: 2023-11-14. Review status: criteria provided, single submitter. Criteria: ACMG Guidelines, 2015. Collection method: clinical testing. Allele origin: unknown.

Ambry Genetics
Classification: Uncertain significance for Hereditary cancer-predisposing syndrome. Last evaluated: 2021-11-08. Review status: criteria provided, single submitter. Criteria: Ambry Variant Classification Scheme 2023. Collection method: clinical testing. Allele origin: germline.
Comment: The p.L1080M variant (also known as c.3238C>A), located in coding exon 5 of the MSH6 gene, results from a C to A substitution at nucleotide position 3238. The leucine at codon 1080 is replaced by methionine, an amino acid with highly similar properties. This amino acid position is not well conserved in available vertebrate species. In addition, the in silico prediction for this alteration is inconclusive. Since supporting evidence is limited at this time, the clinical significance of this alteration remains unclear.

Labcorp Genetics (formerly Invitae), Labcorp
Classification: Uncertain significance for Hereditary nonpolyposis colorectal neoplasms. Last evaluated: 2021-09-29. Review status: criteria provided, single submitter. Criteria: Invitae Variant Classification Sherloc (09022015). Collection method: clinical testing. Allele origin: germline.
Comment: This sequence change replaces leucine with methionine at codon 1080 of the MSH6 protein (p.Leu1080Met). The leucine residue is weakly conserved and there is a small physicochemical difference between leucine and methionine. This variant is not present in population databases (ExAC no frequency). This variant has not been reported in the literature in individuals affected with MSH6-related conditions. Advanced modeling of protein sequence and biophysical properties (such as structural, functional, and spatial information, amino acid conservation, physicochemical variation, residue mobility, and thermodynamic stability) performed at Invitae indicates that this missense variant is not expected to disrupt MSH6 protein function. In summary, the available evidence is currently insufficient to determine the role of this variant in disease. Therefore, it has been classified as a Variant of Uncertain Significance.